The following is an entry in ClinVar:

NM_198129.4(LAMA3):c.5645C>G (p.Ser1882Ter)

Gene: LAMA3 (laminin subunit alpha 3; plus strand). Cytogenetic location: 18q11.2.
Variant type: single nucleotide variant.
Coding change: c.5645C>G on transcript NM_198129.4 (MANE Select); coding-DNA position 5645, C replaced by G.
Protein change: p.Ser1882Ter; replaces serine 1882 with a stop codon.
Molecular consequence: nonsense.
Genome position (GRCh38, 1-based): chr18:23,898,769, C>G. VCF-style: chr18-23898769-C-G. GRCh37 (hg19) VCF-style: chr18-21478733-C-G.
Other names: c.818C>G, p.Ser273Ter (NM_000227.6, NM_001127718.4); c.5645C>G, p.Ser1882Ter (NM_001127717.4); short protein forms S273*, S1882*.
Identifiers: ClinVar variation 2874070 (VCV002874070.3), dbSNP rs1239655205, ClinGen allele CA402046366.

ClinVar aggregate classification (germline): Pathogenic (1 of 4 stars; one submission).

Submission:

Labcorp Genetics (formerly Invitae), Labcorp
Classification: Pathogenic. Last evaluated: 2023-10-27. Review status: criteria provided, single submitter. Criteria: Invitae Variant Classification Sherloc (09022015). Collection method: clinical testing. Allele origin: germline.
Comment: This sequence change creates a premature translational stop signal (p.Ser273*) in the LAMA3 gene. It is expected to result in an absent or disrupted protein product. Loss-of-function variants in LAMA3 are known to be pathogenic (PMID: 10366601, 11810295, 12915477, 16473856, 17362460, 22434185, 23869449, 27827380, 28087116). This variant is present in population databases (no rsID available, gnomAD 0.006%). This variant has not been reported in the literature in individuals affected with LAMA3-related conditions. For these reasons, this variant has been classified as Pathogenic.

Literature cited by the submitters: PubMed 10366601; PubMed 11810295; PubMed 12915477; PubMed 16473856; PubMed 17362460; PubMed 22434185; PubMed 23869449; PubMed 27827380; PubMed 28087116.